The following is an entry in ClinVar:

NM_020975.6(RET):c.2474G>C (p.Gly825Ala)

Gene: RET (ret proto-oncogene; plus strand). Cytogenetic location: 10q11.21.
Variant type: single nucleotide variant.
Coding change: c.2474G>C on transcript NM_020975.6 (MANE Select); coding-DNA position 2474, G replaced by C.
Protein change: p.Gly825Ala; replaces glycine 825 with alanine.
Molecular consequence: missense variant.
Genome position (GRCh38, 1-based): chr10:43,119,612, G>C. VCF-style: chr10-43119612-G-C. GRCh37 (hg19) VCF-style: chr10-43615060-G-C.
Other names: c.1712G>C, p.Gly571Ala (NM_001355216.2); c.2474G>C, p.Gly825Ala (NM_001406743.1, NM_001406744.1, NM_001406759.1 and 2 more transcripts); c.2345G>C, p.Gly782Ala (NM_001406761.1, NM_001406762.1, NM_001406764.1); c.2339G>C, p.Gly780Ala (NM_001406763.1, NM_001406765.1); c.2186G>C, p.Gly729Ala (NM_001406766.1, NM_001406767.1, NM_001406770.1); c.2210G>C, p.Gly737Ala (NM_001406768.1); c.2078G>C, p.Gly693Ala (NM_001406769.1, NM_001406772.1); c.2036G>C, p.Gly679Ala (NM_001406771.1, NM_001406773.1); and 10 more; short protein forms G342A, G390A, G430A, G481A, G483A, G486A, G495A, G526A.
Identifiers: ClinVar variation 3614406 (VCV003614406.3).

ClinVar aggregate classification (germline): Uncertain significance. Review status: criteria provided, multiple submitters, no conflicts (2 of 4 stars). 2 submissions from 2 submitters: Uncertain significance (2). Last evaluated 2025-07-08.

Conditions:
Multiple endocrine neoplasia, type 2 (MEN2). Identifiers: Orphanet 653, MedGen C4048306, MONDO:0019003. Disease mechanism: gain of function.
Hereditary cancer-predisposing syndrome. Also called: Hereditary Cancer Syndrome; Neoplastic Syndromes, Hereditary; Tumor predisposition; Hereditary neoplastic syndrome. Identifiers: Orphanet 140162, MedGen C0027672, MeSH D009386, MONDO:0015356.

gnomAD v4.1: 7 of 1,612,658 alleles (0.00043%); highest among the groups gnomAD compares: South Asian, 0.0077%; no homozygotes.

Submissions (2):

Labcorp Genetics (formerly Invitae), Labcorp
Classification: Uncertain significance for Multiple endocrine neoplasia, type 2. Last evaluated: 2025-07-08. Review status: criteria provided, single submitter. Criteria: Invitae Variant Classification Sherloc (09022015). Collection method: clinical testing. Allele origin: germline.
Comment: This sequence change replaces glycine, which is neutral and non-polar, with alanine, which is neutral and non-polar, at codon 825 of the RET protein (p.Gly825Ala). This variant is not present in population databases (gnomAD no frequency). This variant has not been reported in the literature in individuals affected with RET-related conditions. ClinVar contains an entry for this variant (Variation ID: 3614406). An algorithm developed to predict the effect of missense changes on protein structure and function outputs the following: PolyPhen-2: "Benign". The alanine amino acid residue is found in multiple mammalian species, which suggests that this missense change does not adversely affect protein function. In summary, the available evidence is currently insufficient to determine the role of this variant in disease. Therefore, it has been classified as a Variant of Uncertain Significance.

Ambry Genetics
Classification: Uncertain significance for Hereditary cancer-predisposing syndrome. Last evaluated: 2025-04-04. Review status: criteria provided, single submitter. Criteria: Ambry Variant Classification Scheme 2023. Collection method: clinical testing. Allele origin: germline.
Comment: The p.G825A variant (also known as c.2474G>C), located in coding exon 14 of the RET gene, results from a G to C substitution at nucleotide position 2474. The glycine at codon 825 is replaced by alanine, an amino acid with similar properties. This amino acid position is conserved. In addition, this alteration is predicted to be tolerated by in silico analysis. Based on the available evidence, the clinical significance of this variant remains unclear.